The following is an entry in ClinVar:

NM_001366145.2(TRPM3):c.3277C>G (p.Pro1093Ala)

Gene: TRPM3 (transient receptor potential cation channel subfamily M member 3; minus strand). Cytogenetic location: 9q21.12.
Variant type: single nucleotide variant.
Coding change: c.3277C>G on transcript NM_001366145.2 (MANE Select); coding-DNA position 3277, C replaced by G.
Protein change: p.Pro1093Ala; replaces proline 1093 with alanine.
Molecular consequence: missense variant.
Genome position (GRCh38, 1-based): chr9:70,553,257, G>C on the plus strand (C>G on the coding strand, the complement: TRPM3 is on the minus strand). VCF-style: chr9-70553257-G-C. GRCh37 (hg19) VCF-style: chr9-73168173-G-C.
Other names: c.3241C>G, p.Pro1081Ala (NM_001007471.4, NM_001366151.2); c.3247C>G, p.Pro1083Ala (NM_001366141.2, NM_001366143.2, NM_001366149.2); c.3283C>G, p.Pro1095Ala (NM_001366142.2); c.3277C>G, p.Pro1093Ala (NM_001366146.2); c.3352C>G, p.Pro1118Ala (NM_001366147.2, NM_001366152.2); c.3322C>G, p.Pro1108Ala (NM_001366148.2); c.3211C>G, p.Pro1071Ala (NM_001366150.2); c.2818C>G, p.Pro940Ala (NM_001366154.2, NM_024971.7); and 5 more; short protein forms P1071A, P1081A, P1083A, P1093A, P1095A, P1108A, P1118A, P918A.
Identifiers: ClinVar variation 3343902 (VCV003343902.1).

ClinVar aggregate classification (germline): Uncertain significance (1 of 4 stars; one submission).

gnomAD v4.1: 5 of 1,614,144 alleles (0.00031%); highest among the groups gnomAD compares: African/African-American, 0.0067%; no homozygotes.

Submission:

GeneDx
Classification: Uncertain significance. Last evaluated: 2024-02-29. Review status: criteria provided, single submitter. Criteria: GeneDx Variant Classification Process June 2021. Collection method: clinical testing. Allele origin: germline. Affected: yes.
Comment: In silico analysis supports that this missense variant has a deleterious effect on protein structure/function; Has not been previously published as pathogenic or benign to our knowledge